The following is an entry in ClinVar:

ClinVar aggregate classification (germline): Uncertain significance. Review status: criteria provided, multiple submitters, no conflicts (2 of 4 stars). 2 submissions from 2 submitters: Uncertain significance (2). Last evaluated 2024-08-15.

Conditions:
Cardiovascular phenotype. Identifiers: MedGen CN230736.
Arrhythmogenic right ventricular dysplasia 9 (ARVD9). Also called: Arrhythmogenic Right Ventricular Dysplasia/Cardiomyopathy 9; ARRHYTHMOGENIC RIGHT VENTRICULAR DYSPLASIA, FAMILIAL, 9. Identifiers: MedGen C1836906, MONDO:0012180, OMIM 609040.

Submissions (2):

Labcorp Genetics (formerly Invitae), Labcorp
Classification: Uncertain significance for Arrhythmogenic right ventricular dysplasia 9. Last evaluated: 2024-08-15. Review status: criteria provided, single submitter. Criteria: Invitae Variant Classification Sherloc (09022015). Collection method: clinical testing. Allele origin: germline.
Comment: This sequence change replaces alanine, which is neutral and non-polar, with proline, which is neutral and non-polar, at codon 705 of the PKP2 protein (p.Ala705Pro). This variant is not present in population databases (gnomAD no frequency). This variant has not been reported in the literature in individuals affected with PKP2-related conditions. ClinVar contains an entry for this variant (Variation ID: 1786144). An algorithm developed to predict the effect of missense changes on protein structure and function (PolyPhen-2) suggests that this variant is likely to be disruptive. In summary, the available evidence is currently insufficient to determine the role of this variant in disease. Therefore, it has been classified as a Variant of Uncertain Significance.

Ambry Genetics
Classification: Uncertain significance for Cardiovascular phenotype. Last evaluated: 2021-11-14. Review status: criteria provided, single submitter. Criteria: Ambry Variant Classification Scheme 2023. Collection method: clinical testing. Allele origin: germline.
Comment: The p.A705P variant (also known as c.2113G>C), located in coding exon 10 of the PKP2 gene, results from a G to C substitution at nucleotide position 2113. The alanine at codon 705 is replaced by proline, an amino acid with highly similar properties. This amino acid position is conserved. In addition, this alteration is predicted to be deleterious by in silico analysis. Since supporting evidence is limited at this time, the clinical significance of this alteration remains unclear.

NM_001005242.3(PKP2):c.1981G>C (p.Ala661Pro)

Gene: PKP2 (plakophilin 2; minus strand). Cytogenetic location: 12p11.21.
Variant type: single nucleotide variant.
Coding change: c.1981G>C on transcript NM_001005242.3 (MANE Select); coding-DNA position 1981, G replaced by C.
Protein change: p.Ala661Pro; replaces alanine 661 with proline.
Molecular consequence: missense variant.
Genome position (GRCh38, 1-based): chr12:32,821,388, C>G on the plus strand (G>C on the coding strand, the complement: PKP2 is on the minus strand). VCF-style: chr12-32821388-C-G. GRCh37 (hg19) VCF-style: chr12-32974322-C-G.
Other names: c.1981G>C, p.Ala661Pro (NM_001407155.1, NM_001407161.1); c.1816G>C, p.Ala606Pro (NM_001407156.1); c.2113G>C, p.Ala705Pro (NM_001407157.1, NM_004572.4); c.1654G>C, p.Ala552Pro (NM_001407158.1, NM_001407159.1, NM_001407160.1 and 1 more transcripts); short protein forms A552P, A606P, A661P, A705P.
Identifiers: ClinVar variation 1786144 (VCV001786144.4), dbSNP rs1199864691, ClinGen allele CA384361631.